The following is an entry in ClinVar:

ClinVar aggregate classification (germline): Conflicting classifications of pathogenicity. Review status: criteria provided, conflicting classifications (1 of 4 stars). 7 submissions from 4 submitters: Uncertain significance (2); Likely benign (5). Last evaluated 2023-10-25.

Conditions:
Retinal dystrophy. Also called: Inherited retinal dystrophy. Identifiers: Orphanet 71862, MedGen C0854723, MeSH D058499, MONDO:0019118, HP:0000556.
Cone-rod dystrophy 12 (CORD12). Identifiers: Orphanet 1872, MedGen C2675210, MONDO:0012983, OMIM 612657.
Retinal macular dystrophy type 2 (MCDR2). Also called: Bull's eye macular dystrophy. Identifiers: Orphanet 319640, MedGen C4749334, MONDO:0011957, OMIM 608051.
Stargardt disease 4 (STGD4). Identifiers: Orphanet 827, MedGen C1863534, MONDO:0011370, OMIM 603786.
Retinitis pigmentosa (RP). Identifiers: Orphanet 791, MedGen C0035334, MeSH D012174, MONDO:0019200, OMIM 268000. Inheritance: Autosomal dominant, autosomal recessive and X linked inheritance.

Allele frequency attached by ClinVar (database versions not stated): gnomAD 0.00004 and 0.00005; TOPMed 0.00005; ExAC 0.00013.
gnomAD v4.1: 133 of 1,604,406 alleles (0.0083%); highest among the groups gnomAD compares: East Asian, 0.28%; no homozygotes.

Submissions (7):

Labcorp Genetics (formerly Invitae), Labcorp
Classification: Likely benign. Last evaluated: 2023-10-25. Review status: criteria provided, single submitter. Criteria: Invitae Variant Classification Sherloc (09022015). Collection method: clinical testing. Allele origin: germline.

Dept Of Ophthalmology, Nagoya University
Classification: Likely benign for Retinal dystrophy. Last evaluated: 2023-10-01. Review status: criteria provided, single submitter. Criteria: Submitter's publication. Collection method: research. Allele origin: germline. Affected: yes.

Blueprint Genetics
Classification: Likely benign. Last evaluated: 2021-04-20. Review status: criteria provided, single submitter. Criteria: ACMG Guidelines, 2015. Collection method: clinical testing. Allele origin: germline.

Illumina Laboratory Services, Illumina
Classification: Likely benign for Stargardt disease 4. Last evaluated: 2018-01-13. Review status: criteria provided, single submitter. Criteria: ICSL Variant Classification Criteria 13 December 2019. Collection method: clinical testing. Allele origin: germline.
Comment: This variant was observed in the ICSL laboratory as part of a predisposition screen in an ostensibly healthy population. It had not been previously curated by ICSL or reported in the Human Gene Mutation Database (HGMD: prior to June 1st, 2018), and was therefore a candidate for classification through an automated scoring system. Utilizing variant allele frequency, disease prevalence and penetrance estimates, and inheritance mode, an automated score was calculated to assess if this variant is too frequent to cause the disease. Based on the score and internal cut-off values, a variant classified as likely benign is not then subjected to further curation. The score for this variant resulted in a classification of likely benign for this disease.

Illumina Laboratory Services, Illumina
Classification: Uncertain significance for Retinitis pigmentosa. Last evaluated: 2018-01-13. Review status: criteria provided, single submitter. Criteria: ICSL Variant Classification Criteria 13 December 2019. Collection method: clinical testing. Allele origin: germline.

Illumina Laboratory Services, Illumina
Classification: Likely benign for Cone-rod dystrophy 12. Last evaluated: 2018-01-13. Review status: criteria provided, single submitter. Criteria: ICSL Variant Classification Criteria 13 December 2019. Collection method: clinical testing. Allele origin: germline.
Comment: the same text as in the submission from Illumina Laboratory Services, Illumina above.

Illumina Laboratory Services, Illumina
Classification: Uncertain significance for Retinal macular dystrophy type 2. Last evaluated: 2018-01-13. Review status: criteria provided, single submitter. Criteria: ICSL Variant Classification Criteria 13 December 2019. Collection method: clinical testing. Allele origin: germline.

NM_006017.3(PROM1):c.1407G>A (p.Pro469=)

Gene: PROM1 (prominin 1; minus strand). Cytogenetic location: 4p15.32.
Variant type: single nucleotide variant.
Coding change: c.1407G>A on transcript NM_006017.3 (MANE Select); coding-DNA position 1407, G replaced by A.
Protein change: p.Pro469=; no amino-acid change (proline 469 retained).
Molecular consequence: synonymous variant.
Genome position (GRCh38, 1-based): chr4:16,006,585, C>T on the plus strand (G>A on the coding strand, the complement: PROM1 is on the minus strand). VCF-style: chr4-16006585-C-T. GRCh37 (hg19) VCF-style: chr4-16008208-C-T.
Other names: c.1380G>A, p.Pro460= (NM_001145847.2, NM_001145848.2, NM_001145851.2 and 4 more transcripts); c.1407G>A, p.Pro469= (NM_001145849.2, NM_001145850.2).
Identifiers: ClinVar variation 901090 (VCV000901090.14), dbSNP rs763710252, ClinGen allele CA2866780.